The following is an entry in ClinVar:

NM_003680.4(YARS1):c.809C>T (p.Pro270Leu)

Genes: YARS1 (tyrosyl-tRNA synthetase 1; minus strand), LOC126805688 (BRD4-independent group 4 enhancer GRCh37_chr1:33251929-33253128; plus strand). Cytogenetic location: 1p35.1.
Variant type: single nucleotide variant.
Coding change: c.809C>T on transcript NM_003680.4 (MANE Select); coding-DNA position 809, C replaced by T.
Protein change: p.Pro270Leu; replaces proline 270 with leucine.
Molecular consequence: missense variant.
Genome position (GRCh38, 1-based): chr1:32,786,951, G>A on the plus strand (C>T on the coding strand, the complement: YARS1 is on the minus strand). VCF-style: chr1-32786951-G-A. GRCh37 (hg19) VCF-style: chr1-33252552-G-A.
Other names: short protein forms P270L.
Identifiers: ClinVar variation 3363616 (VCV003363616.1).
Genomic context (GRCh38, chr1:32,786,951, plus strand): 5'-AACTTTTCTATTCTAGCCTGGCCTCTAGGAAGAAAACAGAGAGTGTTACCGGACTTAAGG[G>A]GAAAAAGGACATGCTTGATGAAGGACAGAACCCCATTGTTCTCCACATTTCCTGGCTCAC-3'
Protein context (NP_003671.1, residues 260-280): VLSFIKHVLF[Pro270Leu]LKSEFVILRD

ClinVar aggregate classification (germline): Uncertain significance (1 of 4 stars; one submission).

Submission:

GeneDx
Classification: Uncertain significance. Last evaluated: 2023-10-30. Review status: criteria provided, single submitter. Criteria: GeneDx Variant Classification Process June 2021. Collection method: clinical testing. Allele origin: germline. Affected: yes.
Comment: Not observed at significant frequency in large population cohorts (gnomAD); In silico analysis supports that this missense variant has a deleterious effect on protein structure/function; Has not been previously published as pathogenic or benign to our knowledge; This variant is associated with the following publications: (PMID: 16429158)